The following is an entry in ClinVar:

ClinVar aggregate classification (germline): Uncertain significance (1 of 4 stars; one submission).

Conditions:
Hereditary breast ovarian cancer syndrome. Also called: Hereditary breast and ovarian cancer; BRCA1- and BRCA2-Associated Hereditary Breast and Ovarian Cancer; Hereditary breast and ovarian cancer syndrome; Breast and ovarian cancer; Hereditary breast and ovarian cancer syndrome (HBOC); Hereditary breast and/or ovarian cancer syndrome. Identifiers: Orphanet 145, MedGen C0677776, MeSH D061325, MONDO:0003582. Disease mechanism: loss of function.

Allele frequency attached by ClinVar (database versions not stated): gnomAD exomes below 0.00001.
gnomAD v4.1: 1 of 1,614,024 alleles (0.000062%); highest among the groups gnomAD compares: South Asian, 0.0011%; no homozygotes.

Submission:

Labcorp Genetics (formerly Invitae), Labcorp
Classification: Uncertain significance for Hereditary breast ovarian cancer syndrome. Last evaluated: 2022-11-17. Review status: criteria provided, single submitter. Criteria: Invitae Variant Classification Sherloc (09022015). Collection method: clinical testing. Allele origin: germline.
Comment: In summary, the available evidence is currently insufficient to determine the role of this variant in disease. Therefore, it has been classified as a Variant of Uncertain Significance. Advanced modeling of protein sequence and biophysical properties (such as structural, functional, and spatial information, amino acid conservation, physicochemical variation, residue mobility, and thermodynamic stability) performed at Invitae indicates that this missense variant is not expected to disrupt BRCA2 protein function. This variant has not been reported in the literature in individuals affected with BRCA2-related conditions. This variant is present in population databases (no rsID available, gnomAD 0.003%). This sequence change replaces serine, which is neutral and polar, with phenylalanine, which is neutral and non-polar, at codon 2761 of the BRCA2 protein (p.Ser2761Phe).

NM_000059.4(BRCA2):c.8282C>T (p.Ser2761Phe)

Gene: BRCA2 (BRCA2 DNA repair associated; plus strand). Cytogenetic location: 13q13.1.
Variant type: single nucleotide variant.
Coding change: c.8282C>T on transcript NM_000059.4 (MANE Select); coding-DNA position 8282, C replaced by T.
Protein change: p.Ser2761Phe; replaces serine 2761 with phenylalanine.
Molecular consequence: missense variant. On other transcripts: non-coding transcript variant (1).
Genome position (GRCh38, 1-based): chr13:32,363,484, C>T. VCF-style: chr13-32363484-C-T. GRCh37 (hg19) VCF-style: chr13-32937621-C-T.
Other names: c.8186C>T, p.Ser2729Phe (NM_001406719.1); c.8282C>T, p.Ser2761Phe (NM_001406720.1); c.3350C>T, p.Ser1117Phe (NM_001406721.1); c.1865C>T, p.Ser622Phe (NM_001406722.1); short protein forms S1117F, S2761F, S2729F, S622F.
Identifiers: ClinVar variation 2814971 (VCV002814971.3), dbSNP rs431825363, ClinGen allele CA387750089.